The following is an entry in ClinVar:

ClinVar aggregate classification (germline): Uncertain significance (1 of 4 stars; one submission).

Conditions:
Ehlers-Danlos syndrome, classic type, 1 (EDSCL1). Also called: EHLERS-DANLOS SYNDROME, GRAVIS TYPE; EHLERS-DANLOS SYNDROME, SEVERE CLASSIC TYPE; Ehlers-Danlos syndrome, type 1; Ehlers-Danlos Syndrome, Classic Type, COL5A1-Related; EDS I. Identifiers: MedGen C0268335, MONDO:0019567, OMIM 130000.

Submission:

Labcorp Genetics (formerly Invitae), Labcorp
Classification: Uncertain significance for Ehlers-Danlos syndrome, classic type, 1. Last evaluated: 2023-11-29. Review status: criteria provided, single submitter. Criteria: Invitae Variant Classification Sherloc (09022015). Collection method: clinical testing. Allele origin: germline.
Comment: This sequence change replaces isoleucine, which is neutral and non-polar, with lysine, which is basic and polar, at codon 55 of the COL5A1 protein (p.Ile55Lys). This variant is not present in population databases (gnomAD no frequency). This variant has not been reported in the literature in individuals affected with COL5A1-related conditions. Advanced modeling of protein sequence and biophysical properties (such as structural, functional, and spatial information, amino acid conservation, physicochemical variation, residue mobility, and thermodynamic stability) performed at Invitae indicates that this missense variant is not expected to disrupt COL5A1 protein function with a negative predictive value of 95%. In summary, the available evidence is currently insufficient to determine the role of this variant in disease. Therefore, it has been classified as a Variant of Uncertain Significance.

NM_000093.5(COL5A1):c.164T>A (p.Ile55Lys)

Gene: COL5A1 (collagen type V alpha 1 chain; plus strand). Cytogenetic location: 9q34.3.
Variant type: single nucleotide variant.
Coding change: c.164T>A on transcript NM_000093.5 (MANE Select); coding-DNA position 164, T replaced by A.
Protein change: p.Ile55Lys; replaces isoleucine 55 with lysine.
Molecular consequence: missense variant.
Genome position (GRCh38, 1-based): chr9:134,690,966, T>A. VCF-style: chr9-134690966-T-A. GRCh37 (hg19) VCF-style: chr9-137582812-T-A.
Other names: c.164T>A, p.Ile55Lys (NM_001278074.1); short protein forms I55K.
Identifiers: ClinVar variation 2699682 (VCV002699682.3), dbSNP rs899196123, ClinGen allele CA375440406.
Genomic context (GRCh38, chr9:134,690,966, plus strand): 5'-TTTCAGCTCAGCCAGCAGATCTCCTGAAGGTTCTAGATTTTCACAACTTGCCTGATGGAA[T>A]AACAAAGACAACAGGCTTTTGCGCCACGCGGCGATCTTCCAAAGGCCCGGATGTCGCTTA-3'
Protein context (NP_000084.3, residues 45-65): VLDFHNLPDG[Ile55Lys]TKTTGFCATR